The following is an entry in ClinVar:

ClinVar aggregate classification (germline): Pathogenic (1 of 4 stars; one submission).

Submission:

Labcorp Genetics (formerly Invitae), Labcorp
Classification: Pathogenic. Last evaluated: 2025-02-25. Review status: criteria provided, single submitter. Criteria: Invitae Variant Classification Sherloc (09022015). Collection method: clinical testing. Allele origin: germline.
Comment: This sequence change creates a premature translational stop signal (p.Met270Asnfs*26) in the SLC7A9 gene. It is expected to result in an absent or disrupted protein product. Loss-of-function variants in SLC7A9 are known to be pathogenic (PMID: 11157794, 16838140, 25296721). This variant is not present in population databases (gnomAD no frequency). This variant has not been reported in the literature in individuals affected with SLC7A9-related conditions. For these reasons, this variant has been classified as Pathogenic.

Literature cited by the submitters: PubMed 11157794; PubMed 16838140; PubMed 25296721.

NM_014270.5(SLC7A9):c.808dup (p.Met270fs)

Gene: SLC7A9 (solute carrier family 7 member 9; minus strand). Cytogenetic location: 19q13.11.
Variant type: Duplication.
Coding change: c.808dup on transcript NM_014270.5 (MANE Select); coding-DNA position 808, one base duplicated (A; older notation c.808dupA).
Protein change: p.Met270fs; shifts the reading frame from methionine 270.
Molecular consequence: frameshift variant.
Genome position (GRCh38, 1-based): chr19:32,859,906, T duplicated on the plus strand (A on the coding strand, the reverse complement: SLC7A9 is on the minus strand). VCF-style (leftmost placement, unchanged base first): chr19-32859905-A-AT. GRCh37 (hg19) VCF-style: chr19-33350811-A-AT.
Other names: c.808dup, p.Met270fs (NM_001126335.2, NM_001243036.2); short protein forms M270fs.
Identifiers: ClinVar variation 4713802 (VCV004713802.1).
Genomic context (GRCh38, chr19:32,859,905, plus strand): 5'-GCCACCGCCTGGGACTGCAGGAGTTCGGTGGCAGTCATCACGGTGAAGTAGGACACGTTC[A>AT]TGAGGATGTAGCACGCCGTCACCAGGGGGATCCCGATGATAATGGCCAAAGGCAGGTTTC-3'